The following is an entry in ClinVar:

NM_002972.4(SBF1):c.1361G>A (p.Arg454Gln)

Gene: SBF1 (SET binding factor 1; minus strand). Cytogenetic location: 22q13.33.
Variant type: single nucleotide variant.
Coding change: c.1361G>A on transcript NM_002972.4 (MANE Select); coding-DNA position 1361, G replaced by A.
Protein change: p.Arg454Gln; replaces arginine 454 with glutamine.
Molecular consequence: missense variant.
Genome position (GRCh38, 1-based): chr22:50,464,889, C>T on the plus strand (G>A on the coding strand, the complement: SBF1 is on the minus strand). VCF-style: chr22-50464889-C-T. GRCh37 (hg19) VCF-style: chr22-50903318-C-T.
Other names: c.1364G>A, p.Arg455Gln (NM_001365819.1); short protein forms R454Q, R455Q.
Identifiers: ClinVar variation 1302386 (VCV001302386.2), dbSNP rs377045434, ClinGen allele CA10317705.

ClinVar aggregate classification (germline): Uncertain significance (1 of 4 stars; one submission).

Allele frequency attached by ClinVar (database versions not stated): ExAC 0.00001; ESP Exome Variant Server 0.00008.
gnomAD v4.1: 19 of 1,613,726 alleles (0.0012%); highest among the groups gnomAD compares: South Asian, 0.012%; no homozygotes.

Submission:

GeneDx
Classification: Uncertain significance. Last evaluated: 2019-06-06. Review status: criteria provided, single submitter. Criteria: GeneDx Variant Classification Process June 2021. Collection method: clinical testing. Allele origin: germline. Affected: yes.
Comment: Not observed at a significant frequency in large population cohorts (Lek et al., 2016); In silico analysis, which includes protein predictors and evolutionary conservation, supports that this variant does not alter protein structure/function; Has not been previously published as pathogenic or benign to our knowledge